The following is an entry in ClinVar:

NM_000038.6(APC):c.5419G>C (p.Asp1807His)

Gene: APC (APC regulator of Wnt signaling pathway; plus strand). Cytogenetic location: 5q22.2.
Variant type: single nucleotide variant.
Coding change: c.5419G>C on transcript NM_000038.6 (MANE Select); coding-DNA position 5419, G replaced by C.
Protein change: p.Asp1807His; replaces aspartic acid 1807 with histidine.
Molecular consequence: missense variant.
Genome position (GRCh38, 1-based): chr5:112,841,013, G>C. VCF-style: chr5-112841013-G-C. GRCh37 (hg19) VCF-style: chr5-112176710-G-C.
Other names: c.5419G>C, p.Asp1807His (NM_001127510.3, NM_001354895.2); c.5365G>C, p.Asp1789His (NM_001127511.3); c.5473G>C, p.Asp1825His (NM_001354896.2); c.5449G>C, p.Asp1817His (NM_001354897.2); c.5344G>C, p.Asp1782His (NM_001354898.2); c.5335G>C, p.Asp1779His (NM_001354899.2); c.5296G>C, p.Asp1766His (NM_001354900.2); c.5242G>C, p.Asp1748His (NM_001354901.2); and 6 more; short protein forms D1524H, D1647H, D1681H, D1706H, D1716H, D1748H, D1766H, D1779H.
Identifiers: ClinVar variation 1051697 (VCV001051697.12), dbSNP rs2149939652, ClinGen allele CA16033177.

ClinVar aggregate classification (germline): Uncertain significance. Review status: criteria provided, multiple submitters, no conflicts (2 of 4 stars). 2 submissions from 2 submitters: Uncertain significance (2). Last evaluated 2025-04-17.

Conditions:
Hereditary cancer-predisposing syndrome. Also called: Tumor predisposition; Hereditary neoplastic syndrome; Hereditary Cancer Syndrome; Neoplastic Syndromes, Hereditary. Identifiers: Orphanet 140162, MedGen C0027672, MeSH D009386, MONDO:0015356.
Familial adenomatous polyposis 1 (FAP1). Also called: POLYPOSIS, ADENOMATOUS INTESTINAL; FAMILIAL ADENOMATOUS POLYPOSIS 1, ATTENUATED. Identifiers: MedGen C2713442, MONDO:0021056, OMIM 175100. Disease mechanism: loss of function.

Submissions (2):

Ambry Genetics
Classification: Uncertain significance for Hereditary cancer-predisposing syndrome. Last evaluated: 2025-04-17. Review status: criteria provided, single submitter. Criteria: Ambry Variant Classification Scheme 2023. Collection method: clinical testing. Allele origin: germline.
Comment: The p.D1807H variant (also known as c.5419G>C), located in coding exon 15 of the APC gene, results from a G to C substitution at nucleotide position 5419. The aspartic acid at codon 1807 is replaced by histidine, an amino acid with similar properties. This amino acid position is conserved. In addition, in silico predictors for this gene do not accurately predict pathogenicity. Based on the available evidence, the clinical significance of this variant remains unclear.

Labcorp Genetics (formerly Invitae), Labcorp
Classification: Uncertain significance for Familial adenomatous polyposis 1. Last evaluated: 2023-10-10. Review status: criteria provided, single submitter. Criteria: Invitae Variant Classification Sherloc (09022015). Collection method: clinical testing. Allele origin: germline.
Comment: This sequence change replaces aspartic acid, which is acidic and polar, with histidine, which is basic and polar, at codon 1807 of the APC protein (p.Asp1807His). This variant is not present in population databases (gnomAD no frequency). This variant has not been reported in the literature in individuals affected with APC-related conditions. ClinVar contains an entry for this variant (Variation ID: 1051697). Advanced modeling of protein sequence and biophysical properties (such as structural, functional, and spatial information, amino acid conservation, physicochemical variation, residue mobility, and thermodynamic stability) performed at Invitae indicates that this missense variant is not expected to disrupt APC protein function. In summary, the available evidence is currently insufficient to determine the role of this variant in disease. Therefore, it has been classified as a Variant of Uncertain Significance.